The following is an entry in ClinVar:

NM_004370.6(COL12A1):c.208T>C (p.Phe70Leu)

Gene: COL12A1 (collagen type XII alpha 1 chain; minus strand). Cytogenetic location: 6q13.
Variant type: single nucleotide variant.
Coding change: c.208T>C on transcript NM_004370.6 (MANE Select); coding-DNA position 208, T replaced by C.
Protein change: p.Phe70Leu; replaces phenylalanine 70 with leucine.
Molecular consequence: missense variant. On other transcripts: intron variant (1).
Genome position (GRCh38, 1-based): chr6:75,192,338, A>G on the plus strand (T>C on the coding strand, the complement: COL12A1 is on the minus strand). VCF-style: chr6-75192338-A-G. GRCh37 (hg19) VCF-style: chr6-75902054-A-G.
Other names: c.73+10382T>C (NM_080645.3); short protein forms F70L.
Identifiers: ClinVar variation 2235845 (VCV002235845.5), dbSNP rs1038442915, ClinGen allele CA141003383.

ClinVar aggregate classification (germline): Uncertain significance. Review status: criteria provided, multiple submitters, no conflicts (2 of 4 stars). 3 submissions from 3 submitters: Uncertain significance (3). Last evaluated 2025-10-21.

Conditions:
Inborn genetic diseases. Identifiers: MedGen C0950123, MeSH D030342.
Bethlem myopathy 2 (BTHLM2). Identifiers: Orphanet 536516, Orphanet 610, MedGen C4225313, MONDO:0034022, OMIM 616471.
Ullrich congenital muscular dystrophy 2 (UCMD2). Identifiers: Orphanet 75840, MedGen C4225314, MONDO:0014654, OMIM 616470.

Allele frequency attached by ClinVar (database versions not stated): TOPMed below 0.00001.

Submissions (3):

Labcorp Genetics (formerly Invitae), Labcorp
Classification: Uncertain significance for Bethlem myopathy 2; Ullrich congenital muscular dystrophy 2. Last evaluated: 2025-10-21. Review status: criteria provided, single submitter. Criteria: Invitae Variant Classification Sherloc (09022015). Collection method: clinical testing. Allele origin: germline.
Comment: This sequence change replaces phenylalanine, which is neutral and non-polar, with leucine, which is neutral and non-polar, at codon 70 of the COL12A1 protein (p.Phe70Leu). This variant is not present in population databases (gnomAD no frequency). This variant has not been reported in the literature in individuals affected with COL12A1-related conditions. ClinVar contains an entry for this variant (Variation ID: 2235845). Invitae Evidence Modeling of protein sequence and biophysical properties (such as structural, functional, and spatial information, amino acid conservation, physicochemical variation, residue mobility, and thermodynamic stability) indicates that this missense variant is not expected to disrupt COL12A1 protein function with a negative predictive value of 80%. In summary, the available evidence is currently insufficient to determine the role of this variant in disease. Therefore, it has been classified as a Variant of Uncertain Significance.

Dasa
Classification: Uncertain significance for Bethlem myopathy 2. Last evaluated: 2025-04-18. Review status: criteria provided, single submitter. Criteria: DASA Assertion Criteria. Collection method: clinical testing. Allele origin: germline.
Comment: NM_004370.6(COL12A1):c.208T>C (p.Phe70Leu) is a missense variant that results in the substitution of phenylalanine with leucine. This variant is absent from population databases. Computational prediction algorithms are consistent with a benign effect. The currently available literature and clinical evidence are not sufficient to establish a definitive association between this variant and the reported condition. Therefore, this variant is classified as a variant of uncertain significance.

Ambry Genetics
Classification: Uncertain significance for Inborn genetic diseases. Last evaluated: 2021-07-09. Review status: criteria provided, single submitter. Criteria: Ambry Variant Classification Scheme 2023. Collection method: clinical testing. Allele origin: germline.